The following is an entry in ClinVar:

NM_002693.3(POLG):c.3425G>A (p.Arg1142Gln)

Gene: POLG (DNA polymerase gamma, catalytic subunit; minus strand). Cytogenetic location: 15q26.1.
Variant type: single nucleotide variant.
Coding change: c.3425G>A on transcript NM_002693.3 (MANE Select); coding-DNA position 3425, G replaced by A.
Protein change: p.Arg1142Gln; replaces arginine 1142 with glutamine.
Molecular consequence: missense variant.
Genome position (GRCh38, 1-based): chr15:89,318,598, C>T on the plus strand (G>A on the coding strand, the complement: POLG is on the minus strand). VCF-style: chr15-89318598-C-T. GRCh37 (hg19) VCF-style: chr15-89861829-C-T.
Other names: p.R1142Q:CGG>CAG; c.3425G>A, p.Arg1142Gln (NM_001126131.2); short protein forms R1142Q.
Identifiers: ClinVar variation 195591 (VCV000195591.25), dbSNP rs536732038, ClinGen allele CA242069.

ClinVar aggregate classification (germline): Uncertain significance. Review status: criteria provided, multiple submitters, no conflicts (2 of 4 stars). 7 submissions from 7 submitters: Uncertain significance (7). Last evaluated 2025-12-06.

Conditions:
Progressive sclerosing poliodystrophy (MTDPS4A). Also called: Alpers Syndrome; Mitochondrial DNA depletion syndrome 4A (Alpers type); ALPERS DIFFUSE DEGENERATION OF CEREBRAL GRAY MATTER WITH HEPATIC CIRRHOSIS; ALPERS PROGRESSIVE INFANTILE POLIODYSTROPHY; NEURONAL DEGENERATION OF CHILDHOOD WITH LIVER DISEASE, PROGRESSIVE; Alpers-Huttenlocher Syndrome. Identifiers: Orphanet 726, MedGen C0205710, MONDO:0008758, OMIM 203700.
Spinocerebellar ataxia with epilepsy. Also called: Myoclonic Epilepsy Myopathy Sensory Ataxia (MEMSA). Identifiers: Orphanet 254881, MedGen C1843852, MONDO:0016809.
Progressive external ophthalmoplegia with mitochondrial DNA deletions, autosomal dominant 1 (PEOA1). Also called: PROGRESSIVE EXTERNAL OPHTHALMOPLEGIA, AUTOSOMAL DOMINANT 1; Autosomal Dominant Progressive External Ophthalmoplegia (adPEO). Identifiers: MedGen C1834846, MONDO:0024528, OMIM 157640.
Progressive external ophthalmoplegia with mitochondrial DNA deletions, autosomal recessive 1 (PEOB1). Also called: Progressive external ophthalmoplegia, autosomal recessive 1; Autosomal Recessive Progressive External Ophthalmoplegia (arPEO). Identifiers: Orphanet 254886, MedGen C4225153, MONDO:0009783, OMIM 258450.
Inborn genetic diseases. Identifiers: MedGen C0950123, MeSH D030342.
Mitochondrial DNA depletion syndrome 4b. Also called: Mitochondrial Neurogastrointestinal Encephalopathy Disease, POLG-Related; MNGIE, POLG-RELATED. Identifiers: Orphanet 298, MedGen C3150914, MONDO:0013350, OMIM 613662.
Mitochondrial DNA depletion syndrome 1. Also called: Mitochondrial DNA depletion syndrome 1 (MNGIE type); Mitochondrial Neurogastrointestinal Encephalopathy Disease; Mitochondrial DNA Depletion Syndrome, MNGIE Form; Mitochondrial neurogastrointestinal encephalomyopathy syndrome; POLIP SYNDROME; POLYNEUROPATHY, OPHTHALMOPLEGIA, LEUKOENCEPHALOPATHY, AND INTESTINAL PSEUDOOBSTRUCTION. Identifiers: Orphanet 298, MedGen C4551995, MONDO:0011283, OMIM 603041.
Sensory ataxic neuropathy, dysarthria, and ophthalmoparesis (SANDO). Also called: Sensory ataxic neuropathy-dysarthria-ophthalmoparesis syndrome; Epilepsy, progressive myoclonic, type 5; SENSORY ATAXIC NEUROPATHY WITH MITOCHONDRIAL DNA DELETIONS, AUTOSOMAL RECESSIVE; Ataxia Neuropathy Spectrum (ANS). Identifiers: Orphanet 70595, MedGen C1843851, MONDO:0011835, OMIM 607459.

Allele frequency attached by ClinVar (database versions not stated): TOPMed 0.00008; 1000 Genomes Project 30x 0.00031; 1000 Genomes Project 0.00040; gnomAD exomes 0.00001; ExAC 0.00002; gnomAD 0.00004 and 0.00005.
gnomAD v4.1: 28 of 1,614,156 alleles (0.0017%); highest among the groups gnomAD compares: East Asian, 0.0067%; no homozygotes.

Submissions (7):

Labcorp Genetics (formerly Invitae), Labcorp
Classification: Uncertain significance for Progressive sclerosing poliodystrophy. Last evaluated: 2025-12-06. Review status: criteria provided, single submitter. Criteria: Invitae Variant Classification Sherloc (09022015). Collection method: clinical testing. Allele origin: germline.
Comment: This sequence change replaces arginine, which is basic and polar, with glutamine, which is neutral and polar, at codon 1142 of the POLG protein (p.Arg1142Gln). This variant is present in population databases (rs536732038, gnomAD 0.005%). This variant has not been reported in the literature in individuals affected with POLG-related conditions. ClinVar contains an entry for this variant (Variation ID: 195591). Invitae Evidence Modeling of protein sequence and biophysical properties (such as structural, functional, and spatial information, amino acid conservation, physicochemical variation, residue mobility, and thermodynamic stability) indicates that this missense variant is not expected to disrupt POLG protein function with a negative predictive value of 95%. In summary, the available evidence is currently insufficient to determine the role of this variant in disease. Therefore, it has been classified as a Variant of Uncertain Significance.

Ambry Genetics
Classification: Uncertain significance for Inborn genetic diseases. Last evaluated: 2025-04-14. Review status: criteria provided, single submitter. Criteria: Ambry Variant Classification Scheme 2023. Collection method: clinical testing. Allele origin: germline.

CeGaT Center for Human Genetics Tuebingen
Classification: Uncertain significance. Last evaluated: 2025-04-01. Review status: criteria provided, single submitter. Criteria: CeGaT Center For Human Genetics Tuebingen Variant Classification Criteria Version 2. Collection method: clinical testing. Allele origin: germline. Affected: yes. Observed: 1 variant allele.
Comment: POLG: PM2

AiLife Diagnostics
Classification: Uncertain significance. Last evaluated: 2022-03-02. Review status: criteria provided, single submitter. Criteria: ACMG Guidelines, 2015. Collection method: clinical testing. Allele origin: germline. Affected: yes. Observed: 1 variant allele.

GeneDx
Classification: Uncertain significance. Last evaluated: 2021-07-16. Review status: criteria provided, single submitter. Criteria: GeneDx Variant Classification Process June 2021. Collection method: clinical testing. Allele origin: germline. Affected: yes.
Comment: Has not been previously published as pathogenic or benign to our knowledge; Not observed at significant frequency in large population cohorts (Lek et al., 2016); In silico analysis supports that this missense variant does not alter protein structure/function; This variant is associated with the following publications: (PMID: 27535533)

Fulgent Genetics
Classification: Uncertain significance for Progressive external ophthalmoplegia with mitochondrial DNA deletions, autosomal dominant 1; Progressive sclerosing poliodystrophy; Progressive external ophthalmoplegia with mitochondrial DNA deletions, autosomal recessive 1; Mitochondrial DNA depletion syndrome 1; Sensory ataxic neuropathy, dysarthria, and ophthalmoparesis; Mitochondrial DNA depletion syndrome 4b. Last evaluated: 2018-10-31. Review status: criteria provided, single submitter. Criteria: ACMG Guidelines, 2015. Collection method: clinical testing. Allele origin: unknown.

Eurofins Ntd Llc (ga)
Classification: Uncertain significance. Last evaluated: 2014-08-25. Review status: criteria provided, single submitter. Criteria: EGL Classification Definitions 2015. Collection method: clinical testing. Allele origin: germline. Observed: 1 variant allele, 1 heterozygote.